The following is an entry in ClinVar:

ClinVar aggregate classification (germline): Uncertain significance. Review status: criteria provided, multiple submitters, no conflicts (2 of 4 stars). 2 submissions from 2 submitters: Uncertain significance (2). Last evaluated 2024-09-04.

Allele frequency attached by ClinVar (database versions not stated): gnomAD 0.00001; gnomAD exomes 0.00001.
gnomAD v4.1: 17 of 1,614,068 alleles (0.0011%); highest among the groups gnomAD compares: Non-Finnish European, 0.0014%; no homozygotes.

Submissions (2):

Blueprint Genetics
Classification: Uncertain significance. Last evaluated: 2024-09-04. Review status: criteria provided, single submitter. Criteria: ACMG Guidelines, 2015. Collection method: clinical testing. Allele origin: germline.

Labcorp Genetics (formerly Invitae), Labcorp
Classification: Uncertain significance. Last evaluated: 2022-10-14. Review status: criteria provided, single submitter. Criteria: Invitae Variant Classification Sherloc (09022015). Collection method: clinical testing. Allele origin: germline.
Comment: This sequence change replaces isoleucine, which is neutral and non-polar, with threonine, which is neutral and polar, at codon 596 of the CDHR1 protein (p.Ile596Thr). This variant is present in population databases (no rsID available, gnomAD 0.0009%). This variant has not been reported in the literature in individuals affected with CDHR1-related conditions. Advanced modeling of protein sequence and biophysical properties (such as structural, functional, and spatial information, amino acid conservation, physicochemical variation, residue mobility, and thermodynamic stability) performed at Invitae indicates that this missense variant is not expected to disrupt CDHR1 protein function. In summary, the available evidence is currently insufficient to determine the role of this variant in disease. Therefore, it has been classified as a Variant of Uncertain Significance.

NM_033100.4(CDHR1):c.1787T>C (p.Ile596Thr)

Gene: CDHR1 (cadherin related family member 1; plus strand). Cytogenetic location: 10q23.1.
Variant type: single nucleotide variant.
Coding change: c.1787T>C on transcript NM_033100.4 (MANE Select); coding-DNA position 1787, T replaced by C.
Protein change: p.Ile596Thr; replaces isoleucine 596 with threonine.
Molecular consequence: missense variant.
Genome position (GRCh38, 1-based): chr10:84,213,095, T>C. VCF-style: chr10-84213095-T-C. GRCh37 (hg19) VCF-style: chr10-85972851-T-C.
Other names: c.1787T>C, p.Ile596Thr (NM_001171971.3); short protein forms I596T.
Identifiers: ClinVar variation 2074324 (VCV002074324.2), dbSNP rs1322166018, ClinGen allele CA377378251.